The following is an entry in ClinVar:

ClinVar aggregate classification (germline): Uncertain significance (1 of 4 stars; one submission).

Conditions:
Peroxisome biogenesis disorder, complementation group 7 (CG7). Also called: Peroxisome biogenesis disorder, complementation group B. Identifiers: MedGen C1864399.

gnomAD v4.1: 8 of 1,368,892 alleles (0.00058%); highest among the groups gnomAD compares: Admixed American, 0.0067%; no homozygotes.

Submission:

Labcorp Genetics (formerly Invitae), Labcorp
Classification: Uncertain significance for Peroxisome biogenesis disorder, complementation group 7. Last evaluated: 2023-09-19. Review status: criteria provided, single submitter. Criteria: Invitae Variant Classification Sherloc (09022015). Collection method: clinical testing. Allele origin: germline.
Comment: In summary, the available evidence is currently insufficient to determine the role of this variant in disease. Therefore, it has been classified as a Variant of Uncertain Significance. Algorithms developed to predict the effect of missense changes on protein structure and function output the following: SIFT: "Not Available"; PolyPhen-2: "Benign"; Align-GVGD: "Not Available". The leucine amino acid residue is found in multiple mammalian species, which suggests that this missense change does not adversely affect protein function. ClinVar contains an entry for this variant (Variation ID: 1911583). This variant has not been reported in the literature in individuals affected with PEX10-related conditions. The frequency data for this variant in the population databases is considered unreliable, as metrics indicate poor data quality at this position in the gnomAD database. This sequence change replaces proline, which is neutral and non-polar, with leucine, which is neutral and non-polar, at codon 3 of the PEX10 protein (p.Pro3Leu).

NM_002617.4(PEX10):c.8C>T (p.Pro3Leu)

Gene: PEX10 (peroxisomal biogenesis factor 10; minus strand). Cytogenetic location: 1p36.32.
Variant type: single nucleotide variant.
Coding change: c.8C>T on transcript NM_002617.4 (MANE Select); coding-DNA position 8, C replaced by T.
Protein change: p.Pro3Leu; replaces proline 3 with leucine.
Molecular consequence: missense variant. On other transcripts: intron variant (2).
Genome position (GRCh38, 1-based): chr1:2,412,495, G>A on the plus strand (C>T on the coding strand, the complement: PEX10 is on the minus strand). VCF-style: chr1-2412495-G-A. GRCh37 (hg19) VCF-style: chr1-2343934-G-A.
Other names: c.8C>T, p.Pro3Leu (NM_001374425.1, NM_153818.2); c.-321+1102C>T (NM_001374427.1, NM_001374426.1); short protein forms P3L.
Identifiers: ClinVar variation 1911583 (VCV001911583.5), dbSNP rs528381804, ClinGen allele CA16947602.
Genomic context (GRCh38, chr1:2,412,495, plus strand): 5'-CCGCGGTAGTACTCGTCCTTCTGCGCCGCGCGGATCACCTCCGGGGGGCTGGCGGCGGCC[G>A]GGGCCATGGCCGCGGGTTCGGGTGGTCCCGAGCAGCCACGCCGGCCACGCCCACGCCCAG-3'
Protein context (NP_002608.1, residues 1-13): MA[Pro3Leu]AAASPPEVIR